The following is an entry in ClinVar:

NM_003837.4(FBP2):c.343G>A (p.Val115Met)

Gene: FBP2 (fructose-bisphosphatase 2; minus strand). Cytogenetic location: 9q22.32.
Variant type: single nucleotide variant.
Coding change: c.343G>A on transcript NM_003837.4 (MANE Select); coding-DNA position 343, G replaced by A.
Protein change: p.Val115Met; replaces valine 115 with methionine.
Molecular consequence: missense variant.
Genome position (GRCh38, 1-based): chr9:94,584,660, C>T on the plus strand (G>A on the coding strand, the complement: FBP2 is on the minus strand). VCF-style: chr9-94584660-C-T. GRCh37 (hg19) VCF-style: chr9-97346942-C-T.
Other names: short protein forms V115M.
Identifiers: ClinVar variation 1809604 (VCV001809604.23), dbSNP rs1358711717, ClinGen allele CA374103574.

ClinVar aggregate classification (germline): Uncertain significance. Review status: criteria provided, single submitter (1 of 4 stars). 2 submissions from 2 submitters: Uncertain significance (1). 1 of the submissions does not count toward it. Last evaluated 2024-03-01.

Conditions:
Leukodystrophy, childhood-onset, remitting (CORLK). Identifiers: MedGen C5676979, MONDO:0859246, OMIM 619864.

Allele frequency attached by ClinVar (database versions not stated): gnomAD 0.00001; gnomAD exomes 0.00001.
gnomAD v4.1: 13 of 1,609,052 alleles (0.00081%); highest among the groups gnomAD compares: Middle Eastern, 0.033%; no homozygotes.

Submissions (2):

CeGaT Center for Human Genetics Tuebingen
Classification: Uncertain significance. Last evaluated: 2024-03-01. Review status: criteria provided, single submitter. Criteria: CeGaT Center For Human Genetics Tuebingen Variant Classification Criteria Version 2. Collection method: clinical testing. Allele origin: germline. Affected: yes. Observed: 1 variant allele.
Comment: FBP2: PP1:Strong, PM2:Supporting

OMIM
Classification: Pathogenic for LEUKODYSTROPHY, CHILDHOOD-ONSET, REMITTING (1 family). Last evaluated: 2022-05-11. Review status: no assertion criteria provided. Collection method: literature only. Allele origin: germline. Not counted in ClinVar's aggregate classification.

Literature cited by the submitters: PubMed 33977262 (cited by OMIM).